The following is an entry in ClinVar:

ClinVar aggregate classification (germline): Uncertain significance. Review status: criteria provided, multiple submitters, no conflicts (2 of 4 stars). 2 submissions from 2 submitters: Uncertain significance (2). Last evaluated 2025-06-15.

Conditions:
Hereditary cancer-predisposing syndrome. Also called: Neoplastic Syndromes, Hereditary; Tumor predisposition; Hereditary neoplastic syndrome; Hereditary Cancer Syndrome. Identifiers: Orphanet 140162, MedGen C0027672, MeSH D009386, MONDO:0015356.
Hereditary breast ovarian cancer syndrome. Also called: Hereditary breast and ovarian cancer syndrome; Hereditary breast and ovarian cancer; Hereditary breast and ovarian cancer syndrome (HBOC); Breast and ovarian cancer; Hereditary breast and/or ovarian cancer syndrome; BRCA1- and BRCA2-Associated Hereditary Breast and Ovarian Cancer. Identifiers: Orphanet 145, MedGen C0677776, MeSH D061325, MONDO:0003582. Disease mechanism: loss of function.

gnomAD v4.1: 1 of 1,613,464 alleles (0.000062%); no homozygotes.

Submissions (2):

Ambry Genetics
Classification: Uncertain significance for Hereditary cancer-predisposing syndrome. Last evaluated: 2025-06-15. Review status: criteria provided, single submitter. Criteria: Ambry Variant Classification Scheme 2023. Collection method: clinical testing. Allele origin: germline.
Comment: The p.D2438V variant (also known as c.7313A>T), located in coding exon 13 of the BRCA2 gene, results from an A to T substitution at nucleotide position 7313. The aspartic acid at codon 2438 is replaced by valine, an amino acid with highly dissimilar properties. This amino acid position is poorly conserved in available vertebrate species. In addition, this alteration is predicted to be tolerated by in silico analysis. Since supporting evidence is limited at this time, the clinical significance of this alteration remains unclear.

Labcorp Genetics (formerly Invitae), Labcorp
Classification: Uncertain significance for Hereditary breast ovarian cancer syndrome. Last evaluated: 2024-03-04. Review status: criteria provided, single submitter. Criteria: Invitae Variant Classification Sherloc (09022015). Collection method: clinical testing. Allele origin: germline.
Comment: This sequence change replaces aspartic acid, which is acidic and polar, with valine, which is neutral and non-polar, at codon 2438 of the BRCA2 protein (p.Asp2438Val). This variant is not present in population databases (gnomAD no frequency). This variant has not been reported in the literature in individuals affected with BRCA2-related conditions. ClinVar contains an entry for this variant (Variation ID: 826960). Advanced modeling of protein sequence and biophysical properties (such as structural, functional, and spatial information, amino acid conservation, physicochemical variation, residue mobility, and thermodynamic stability) performed at Invitae indicates that this missense variant is not expected to disrupt BRCA2 protein function with a negative predictive value of 95%. In summary, the available evidence is currently insufficient to determine the role of this variant in disease. Therefore, it has been classified as a Variant of Uncertain Significance.

NM_000059.4(BRCA2):c.7313A>T (p.Asp2438Val)

Gene: BRCA2 (BRCA2 DNA repair associated; plus strand). Cytogenetic location: 13q13.1.
Variant type: single nucleotide variant.
Coding change: c.7313A>T on transcript NM_000059.4 (MANE Select); coding-DNA position 7313, A replaced by T.
Protein change: p.Asp2438Val; replaces aspartic acid 2438 with valine.
Molecular consequence: missense variant.
Genome position (GRCh38, 1-based): chr13:32,355,166, A>T. VCF-style: chr13-32355166-A-T. GRCh37 (hg19) VCF-style: chr13-32929303-A-T.
Other names: short protein forms D2438V.
Identifiers: ClinVar variation 826960 (VCV000826960.7), dbSNP rs80358957, ClinGen allele CA387741050.